The following is an entry in ClinVar:

NM_003737.4(DCHS1):c.7031G>A (p.Arg2344His)

Gene: DCHS1 (dachsous cadherin-related 1; minus strand). Cytogenetic location: 11p15.4.
Variant type: single nucleotide variant.
Coding change: c.7031G>A on transcript NM_003737.4 (MANE Select); coding-DNA position 7031, G replaced by A.
Protein change: p.Arg2344His; replaces arginine 2344 with histidine.
Molecular consequence: missense variant.
Genome position (GRCh38, 1-based): chr11:6,625,313, C>T on the plus strand (G>A on the coding strand, the complement: DCHS1 is on the minus strand). VCF-style: chr11-6625313-C-T. GRCh37 (hg19) VCF-style: chr11-6646544-C-T.
Other names: c.7031G>A (NM_003737.2); short protein forms R2344H.
Identifiers: ClinVar variation 1951609 (VCV001951609.5), dbSNP rs138811686, ClinGen allele CA5859709.

ClinVar aggregate classification (germline): Uncertain significance. Review status: criteria provided, multiple submitters, no conflicts (2 of 4 stars). 2 submissions from 2 submitters: Uncertain significance (2). Last evaluated 2025-10-08.

Conditions:
Inborn genetic diseases. Identifiers: MedGen C0950123, MeSH D030342.

Allele frequency attached by ClinVar (database versions not stated): gnomAD exomes 0.00001; ExAC 0.00001; gnomAD 0.00001; TOPMed 0.00002; ESP Exome Variant Server 0.00008.
gnomAD v4.1: 16 of 1,613,694 alleles (0.00099%); highest among the groups gnomAD compares: African/African-American, 0.0067%; no homozygotes.

Submissions (2):

Labcorp Genetics (formerly Invitae), Labcorp
Classification: Uncertain significance. Last evaluated: 2025-10-08. Review status: criteria provided, single submitter. Criteria: Invitae Variant Classification Sherloc (09022015). Collection method: clinical testing. Allele origin: germline.
Comment: This sequence change replaces arginine, which is basic and polar, with histidine, which is basic and polar, at codon 2344 of the DCHS1 protein (p.Arg2344His). This variant is present in population databases (rs138811686, gnomAD 0.01%). This variant has not been reported in the literature in individuals affected with DCHS1-related conditions. ClinVar contains an entry for this variant (Variation ID: 1951609). Invitae Evidence Modeling of protein sequence and biophysical properties (such as structural, functional, and spatial information, amino acid conservation, physicochemical variation, residue mobility, and thermodynamic stability) indicates that this missense variant is not expected to disrupt DCHS1 protein function with a negative predictive value of 80%. In summary, the available evidence is currently insufficient to determine the role of this variant in disease. Therefore, it has been classified as a Variant of Uncertain Significance.

Ambry Genetics
Classification: Uncertain significance for Inborn genetic diseases. Last evaluated: 2024-01-03. Review status: criteria provided, single submitter. Criteria: Ambry Variant Classification Scheme 2023. Collection method: clinical testing. Allele origin: germline.